The following is an entry in ClinVar:

ClinVar aggregate classification (germline): Conflicting classifications of pathogenicity. Review status: criteria provided, conflicting classifications (1 of 4 stars). 7 submissions from 7 submitters: Pathogenic (1); Likely pathogenic (2); Uncertain significance (4). Last evaluated 2026-07-08.

Conditions:
Loeys-Dietz syndrome 2 (LDS2). Also called: TGFBR2-Related Loeys-Dietz Syndrome; Marfan syndrome, type 2 (formerly); Marfan Syndrome type 2; Marfan like connective tissue disorder; MFS 2; AORTIC ANEURYSM, FAMILIAL THORACIC 3. Identifiers: Orphanet 284973, Orphanet 558, MedGen C2674574, MONDO:0012427, OMIM 610168.
Malignant tumor of esophagus. Also called: Esophageal cancer; Esophageal cancer, somatic. Identifiers: Orphanet 99977, MedGen C0546837, MONDO:0007576, OMIM 133239.
Colorectal cancer, hereditary nonpolyposis, type 6. Also called: Colon cancer, hereditary nonpolyposis, type 6; Colon cancer, hereditary nonpolyposis, type 6, somatic. Identifiers: Orphanet 144, MedGen C1860896, MONDO:0013695, OMIM 614331.
Familial thoracic aortic aneurysm and aortic dissection (TAAD). Also called: Thoracic aortic aneurysms and dissections. Identifiers: Orphanet 91387, MedGen C4707243, MONDO:0019625.

Allele frequency attached by ClinVar (database versions not stated): gnomAD exomes below 0.00001; TOPMed 0.00001.
gnomAD v4.1: 2 of 1,614,142 alleles (0.00012%); highest among the groups gnomAD compares: South Asian, 0.0011%; no homozygotes.

Submissions (7):

Ambry Genetics
Classification: Uncertain significance for Familial thoracic aortic aneurysm and aortic dissection. Last evaluated: 2026-07-08. Review status: criteria provided, single submitter. Criteria: Ambry Variant Classification Scheme 2023. Collection method: clinical testing. Allele origin: germline.
Comment: The p.R254C variant (also known as c.760C>T), located in coding exon 4 of the TGFBR2 gene, results from a C to T substitution at nucleotide position 760. The arginine at codon 254 is replaced by cysteine, an amino acid with highly dissimilar properties. This amino acid position is highly conserved in available vertebrate species. In addition, this alteration is predicted to be deleterious by in silico analysis. Based on the available evidence, the clinical significance of this alteration remains unclear.

Labcorp Genetics (formerly Invitae), Labcorp
Classification: Pathogenic for Familial thoracic aortic aneurysm and aortic dissection. Last evaluated: 2025-12-24. Review status: criteria provided, single submitter. Criteria: Invitae Variant Classification Sherloc (09022015). Collection method: clinical testing. Allele origin: germline.
Comment: This sequence change replaces arginine, which is basic and polar, with cysteine, which is neutral and slightly polar, at codon 254 of the TGFBR2 protein (p.Arg254Cys). This variant is not present in population databases (gnomAD no frequency). This missense change has been observed in individuals with TGFBR2-related conditions (internal data). ClinVar contains an entry for this variant (Variation ID: 213942). Invitae Evidence Modeling of protein sequence and biophysical properties (such as structural, functional, and spatial information, amino acid conservation, physicochemical variation, residue mobility, and thermodynamic stability) indicates that this missense variant is expected to disrupt TGFBR2 protein function with a positive predictive value of 95%. This variant disrupts the p.Arg254 amino acid residue in TGFBR2. Other variant(s) that disrupt this residue have been determined to be pathogenic (PMID: 18781618, 27879313; internal data). This suggests that this residue is clinically significant, and that variants that disrupt this residue are likely to be disease-causing. For these reasons, this variant has been classified as Pathogenic.

GeneDx
Classification: Uncertain significance. Last evaluated: 2025-11-07. Review status: criteria provided, single submitter. Criteria: GeneDx Variant Classification Process June 2021. Collection method: clinical testing. Allele origin: germline. Affected: yes.
Comment: Has not been previously published as pathogenic or benign to our knowledge; Not observed at significant frequency in large population cohorts (gnomAD); In silico analysis supports that this missense variant has a deleterious effect on protein structure/function

Color Diagnostics, LLC DBA Color Health
Classification: Likely pathogenic for Familial thoracic aortic aneurysm and aortic dissection. Last evaluated: 2024-12-11. Review status: criteria provided, single submitter. Criteria: ACMG Guidelines, 2015. Collection method: clinical testing. Allele origin: germline.
Comment: This missense variant replaces arginine with cysteine at codon 254 in the kinase domain of the TGFBR2 protein. Computational prediction suggests that this variant may have a deleterious impact on protein structure and function. To our knowledge, functional studies have not been reported for this variant. This variant has been observed in one individual affected with Marfan syndrome with a family history of aortic dissection and Marfan syndrome (communication with an external laboratory: Clinvar SCV000250963.13). This variant has also been observed in an additional 6 individuals, including 4 who were unrelated, affected with aortic dissection or other TGFBR2-related conditions (communication with external laboratories: ClinVar SCV000658837.3, SCV000250963.13). This variant has not been identified in the general population by the Genome Aggregation Database (gnomAD). A different missense variant occurring at the same codon, p.Arg254His, is considered to be disease-causing (ClinVar variation ID: 177302), suggesting that arginine at this position is important for TGFBR2 protein function. Based on the available evidence, this variant is classified as Likely Pathogenic.

All of Us Research Program, National Institutes of Health
Classification: Likely pathogenic for Loeys-Dietz syndrome 2. Last evaluated: 2024-09-24. Review status: criteria provided, single submitter. Criteria: ACMG Guidelines, 2015. Collection method: clinical testing. Allele origin: germline. Inheritance: Autosomal dominant inheritance. Observed: 7 variant alleles, 7 heterozygotes.
Comment: This missense variant replaces arginine with cysteine at codon 254 in the kinase domain of the TGFBR2 protein. Computational prediction suggests that this variant may have deleterious impact on protein structure and function (internally defined REVEL score threshold >= 0.7, PMID: 27666373). To our knowledge, functional studies have not been reported for this variant. This variant has been observed in an individual affected with Marfan syndrome with a family history of aortic dissection and Marfan syndrome (communication with an external laboratory Clinvar SCV000250963.13). This variant has also been observed in another 6 individuals, including 4 were unrelated, affected with aortic dissection or other TGFBR2-related conditions (communication with external laboratories ClinVar SCV000658837.2, SCV000250963.13). This variant has not been identified in the general population by the Genome Aggregation Database (gnomAD). A different missense variant occurring at the same codon, p.Arg254His, is reported to be disease-causing (ClinVar variation ID: 177302), indicating that arginine at this position is important for TGFBR2 protein function. Based on the available evidence, this variant is classified as Likely Pathogenic.

This study involves interpretation of variants in research participants for the purpose of population health screening. Participant phenotype was not available at the time of variant classification. Additional details can be found in publication PMID: 35346344, PMCID: PMC8962531

CHEO Genetics Diagnostic Laboratory, Children's Hospital of Eastern Ontario
Classification: Uncertain significance for Familial thoracic aortic aneurysm and aortic dissection. Last evaluated: 2023-01-31. Review status: criteria provided, single submitter. Criteria: ACMG Guidelines, 2015. Collection method: clinical testing. Allele origin: germline.

Fulgent Genetics
Classification: Uncertain significance for Malignant tumor of esophagus; Loeys-Dietz syndrome 2; Colorectal cancer, hereditary nonpolyposis, type 6. Last evaluated: 2021-09-03. Review status: criteria provided, single submitter. Criteria: ACMG Guidelines, 2015. Collection method: clinical testing. Allele origin: unknown.

Literature cited by the submitters: PubMed 18781618 (cited by Labcorp Genetics (formerly Invitae), Labcorp); PubMed 27879313 (cited by Labcorp Genetics (formerly Invitae), Labcorp).

NM_003242.6(TGFBR2):c.760C>T (p.Arg254Cys)

Gene: TGFBR2 (transforming growth factor beta receptor 2; plus strand). Cytogenetic location: 3p24.1.
Variant type: single nucleotide variant.
Coding change: c.760C>T on transcript NM_003242.6 (MANE Select); coding-DNA position 760, C replaced by T.
Protein change: p.Arg254Cys; replaces arginine 254 with cysteine.
Molecular consequence: missense variant.
Genome position (GRCh38, 1-based): chr3:30,671,943, C>T. VCF-style: chr3-30671943-C-T. GRCh37 (hg19) VCF-style: chr3-30713435-C-T.
Other names: p.R254C:CGC>TGC; c.655C>T, p.Arg219Cys (NM_001407132.1, NM_001407133.1, NM_001407134.1 and 2 more transcripts); c.475C>T, p.Arg159Cys (NM_001407137.1); c.400C>T, p.Arg134Cys (NM_001407138.1); c.835C>T, p.Arg279Cys (NM_001024847.3); c.943C>T, p.Arg315Cys (NM_001407126.1); c.868C>T, p.Arg290Cys (NM_001407127.1); c.787C>T, p.Arg263Cys (NM_001407128.1); and 2 more; short protein forms R254C, R279C, R159C, R290C, R315C, R134C, R219C, R255C.
Identifiers: ClinVar variation 213942 (VCV000213942.15), dbSNP rs863223856, ClinGen allele CA323430.